The following is an entry in ClinVar:

ClinVar aggregate classification (germline): Uncertain significance (1 of 4 stars; one submission).

Submission:

Labcorp Genetics (formerly Invitae), Labcorp
Classification: Uncertain significance. Last evaluated: 2021-12-25. Review status: criteria provided, single submitter. Criteria: Invitae Variant Classification Sherloc (09022015). Collection method: clinical testing. Allele origin: germline.
Comment: Algorithms developed to predict the effect of missense changes on protein structure and function (SIFT, PolyPhen-2, Align-GVGD) all suggest that this variant is likely to be disruptive. In summary, the available evidence is currently insufficient to determine the role of this variant in disease. Therefore, it has been classified as a Variant of Uncertain Significance. This variant has not been reported in the literature in individuals affected with RBP3-related conditions. This sequence change replaces proline, which is neutral and non-polar, with leucine, which is neutral and non-polar, at codon 181 of the RBP3 protein (p.Pro181Leu). This variant is not present in population databases (gnomAD no frequency).

NM_002900.3(RBP3):c.542C>T (p.Pro181Leu)

Gene: RBP3 (retinol binding protein 3; plus strand). Cytogenetic location: 10q11.22.
Variant type: single nucleotide variant.
Coding change: c.542C>T on transcript NM_002900.3 (MANE Select); coding-DNA position 542, C replaced by T.
Protein change: p.Pro181Leu; replaces proline 181 with leucine.
Molecular consequence: missense variant.
Genome position (GRCh38, 1-based): chr10:47,349,026, C>T. VCF-style: chr10-47349026-C-T. GRCh37 (hg19) VCF-style: chr10-48390336-G-A.
Other names: short protein forms P181L.
Identifiers: ClinVar variation 2060067 (VCV002060067.4), dbSNP rs2549027816, ClinGen allele CA376665591.